The following is an entry in ClinVar:

ClinVar aggregate classification (germline): Likely benign (1 of 4 stars; one submission).

Submission:

GeneDx
Classification: Likely benign. Last evaluated: 2018-06-16. Review status: criteria provided, single submitter. Criteria: GeneDx Variant Classification (06012015). Collection method: clinical testing. Allele origin: germline. Affected: yes.
Comment: This variant is considered likely benign or benign based on one or more of the following criteria: it is a conservative change, it occurs at a poorly conserved position in the protein, it is predicted to be benign by multiple in silico algorithms, and/or has population frequency not consistent with disease.

NM_182961.4(SYNE1):c.6826-101TG[2]

Gene: SYNE1 (spectrin repeat containing nuclear envelope protein 1; minus strand). Cytogenetic location: 6q25.2.
Variant type: Microsatellite.
Coding change: c.6826-101TG[2] on transcript NM_182961.4 (MANE Select); two copies in a row of the 2-base unit TG starting at c.6826-101; the reference has three copies in a row; one copy, 2 bases deleted.
Molecular consequence: intron variant.
Genome position (GRCh38, 1-based): chr6:152,401,437-152,401,438, CA deleted on the plus strand (TG on the coding strand, the reverse complement: SYNE1 is on the minus strand); deleting any 2 consecutive bases within chr6:152,401,437-152,401,442 gives the same sequence; the position shown is the placement nearest the transcript's 3' end. VCF-style (leftmost placement, unchanged base first): chr6-152401436-CCA-C. GRCh37 (hg19) VCF-style: chr6-152722571-CCA-C.
Other names: c.6847-101TG[2] (NM_033071.5).
Identifiers: ClinVar variation 674785 (VCV000674785.1), dbSNP rs199924383, ClinGen allele CA150198062.